The following is an entry in ClinVar:

NM_002016.2(FLG):c.2857G>C (p.Glu953Gln)

Genes: CCDST (cervical cancer associated DHX9 suppressive transcript; plus strand), FLG (filaggrin; minus strand). Cytogenetic location: 1q21.3.
Variant type: single nucleotide variant.
Coding change: c.2857G>C on transcript NM_002016.2 (MANE Select); coding-DNA position 2857, G replaced by C.
Protein change: p.Glu953Gln; replaces glutamic acid 953 with glutamine.
Molecular consequence: missense variant.
Genome position (GRCh38, 1-based): chr1:152,312,029, C>G on the plus strand (G>C on the coding strand, the complement: FLG is on the minus strand). VCF-style: chr1-152312029-C-G. GRCh37 (hg19) VCF-style: chr1-152284505-C-G.
Other names: short protein forms E953Q.
Identifiers: ClinVar variation 1206179 (VCV001206179.8), dbSNP rs201137357, ClinGen allele CA1106953.

ClinVar aggregate classification (germline): Benign/Likely benign. Review status: criteria provided, multiple submitters, no conflicts (2 of 4 stars). 6 submissions from 6 submitters: Benign (2); Likely benign (1). 3 of the submissions do not count toward it. Last evaluated 2024-11-26.

Conditions:
FLG-related disorder. Also called: FLG-related disorders; FLG-related condition.

Allele frequency attached by ClinVar (database versions not stated): gnomAD exomes 0.00240; ExAC 0.02425; ESP Exome Variant Server 0.03437; gnomAD 0.04743 and 0.05019; 1000 Genomes Project 30x 0.07058; 1000 Genomes Project 0.13678.
gnomAD v4.1: 9,150 of 1,513,272 alleles (0.6%); highest among the groups gnomAD compares: African/African-American, 15%; 82 homozygotes.

Submissions (6):

Blueprint Genetics
Classification: Likely benign. Last evaluated: 2024-11-26. Review status: criteria provided, single submitter. Criteria: ACMG Guidelines, 2015. Collection method: clinical testing. Allele origin: germline.

GeneDx
Classification: Benign. Last evaluated: 2018-07-09. Review status: criteria provided, single submitter. Criteria: GeneDx Variant Classification Process June 2021. Collection method: clinical testing. Allele origin: germline. Affected: yes.

Breakthrough Genomics
Classification: Benign. Review status: criteria provided, single submitter. Criteria: ACMG Guidelines, 2015. Collection method: not provided. Allele origin: germline. Inheritance: Autosomal dominant inheritance. Affected: yes.

PreventionGenetics, part of Exact Sciences
Classification: Benign for FLG-related condition. Last evaluated: 2023-05-23. Review status: no assertion criteria provided. Collection method: clinical testing. Allele origin: germline. Not counted in ClinVar's aggregate classification.
Comment: This variant is classified as benign based on ACMG/AMP sequence variant interpretation guidelines (Richards et al. 2015 PMID: 25741868, with internal and published modifications).

Joint Genome Diagnostic Labs from Nijmegen and Maastricht, Radboudumc and MUMC+
Classification: Benign. Review status: no assertion criteria provided. Collection method: clinical testing. Allele origin: germline. Affected: yes. Study: VKGL Data-share Consensus. Not counted in ClinVar's aggregate classification.

Laboratory of Diagnostic Genome Analysis, Leiden University Medical Center (LUMC)
Classification: Likely benign. Review status: no assertion criteria provided. Collection method: clinical testing. Allele origin: germline. Affected: yes. Study: VKGL Data-share Consensus. Not counted in ClinVar's aggregate classification.